The following is an entry in ClinVar:

ClinVar aggregate classification (germline): Uncertain significance (1 of 4 stars; one submission).

Submission:

Labcorp Genetics (formerly Invitae), Labcorp
Classification: Uncertain significance. Last evaluated: 2022-01-15. Review status: criteria provided, single submitter. Criteria: Invitae Variant Classification Sherloc (09022015). Collection method: clinical testing. Allele origin: germline.
Comment: This variant has not been reported in the literature in individuals affected with CDH3-related conditions. This sequence change replaces proline, which is neutral and non-polar, with alanine, which is neutral and non-polar, at codon 740 of the CDH3 protein (p.Pro740Ala). This variant is not present in population databases (gnomAD no frequency). ClinVar contains an entry for this variant (Variation ID: 1021613). Algorithms developed to predict the effect of missense changes on protein structure and function are either unavailable or do not agree on the potential impact of this missense change (SIFT: "Not Available"; PolyPhen-2: "Benign"; Align-GVGD: "Not Available"). In summary, the available evidence is currently insufficient to determine the role of this variant in disease. Therefore, it has been classified as a Variant of Uncertain Significance.

NM_001793.6(CDH3):c.2218C>G (p.Pro740Ala)

Gene: CDH3 (cadherin 3; plus strand). Cytogenetic location: 16q22.1.
Variant type: single nucleotide variant.
Coding change: c.2218C>G on transcript NM_001793.6 (MANE Select); coding-DNA position 2218, C replaced by G.
Protein change: p.Pro740Ala; replaces proline 740 with alanine.
Molecular consequence: missense variant.
Genome position (GRCh38, 1-based): chr16:68,695,861, C>G. VCF-style: chr16-68695861-C-G. GRCh37 (hg19) VCF-style: chr16-68729764-C-G.
Other names: c.2218C>G, p.Pro740Ala (NM_001317195.3); c.2053C>G, p.Pro685Ala (NM_001317196.2); short protein forms P685A, P740A.
Identifiers: ClinVar variation 1021613 (VCV001021613.8), dbSNP rs1961706277, ClinGen allele CA396456323.